The following is an entry in ClinVar:

NM_004100.5(EYA4):c.1679T>C (p.Leu560Pro)

Genes: TARID (TCF21 antisense RNA inducing promoter demethylation; minus strand), EYA4 (EYA transcriptional coactivator and phosphatase 4; plus strand). Cytogenetic location: 6q23.2.
Variant type: single nucleotide variant.
Coding change: c.1679T>C on transcript NM_004100.5 (MANE Select); coding-DNA position 1679, T replaced by C.
Protein change: p.Leu560Pro; replaces leucine 560 with proline.
Molecular consequence: missense variant.
Genome position (GRCh38, 1-based): chr6:133,523,118, T>C. VCF-style: chr6-133523118-T-C. GRCh37 (hg19) VCF-style: chr6-133844256-T-C.
Other names: c.1517T>C, p.Leu506Pro (NM_001301012.2); c.1697T>C, p.Leu566Pro (NM_001301013.2); c.1610T>C, p.Leu537Pro (NM_001370458.1, NM_172103.4); c.1535T>C, p.Leu512Pro (NM_001370459.1); c.1679T>C, p.Leu560Pro (NM_172105.4); short protein forms L560P, L506P, L566P, L512P, L537P.
Identifiers: ClinVar variation 1483078 (VCV001483078.6), dbSNP rs1052000923, ClinGen allele CA148047499.
Genomic context (GRCh38, chr6:133,523,118, plus strand): 5'-GTAACTGCATAAATGTCTTGGTAACGACAACTCAACTGATCCCAGCACTTGCGAAGGTTC[T>C]ACTCTATAGTTTAGGAGGTGCTTTCCCCATTGAGAATATTTACAGTGCAACTAAAATAGG-3'
Protein context (NP_004091.3, residues 550-570): TQLIPALAKV[Leu560Pro]LYSLGGAFPI

ClinVar aggregate classification (germline): Uncertain significance (1 of 4 stars; one submission).

Conditions:
Dilated cardiomyopathy 1J (CMD1J). Also called: CARDIOMYOPATHY, DILATED, WITH SENSORINEURAL HEARING LOSS, AUTOSOMAL DOMINANT. Identifiers: Orphanet 217622, MedGen C1854368, MONDO:0011541, OMIM 605362.

Allele frequency attached by ClinVar (database versions not stated): gnomAD 0.00001; TOPMed 0.00001.
gnomAD v4.1: 1 of 1,612,170 alleles (0.000062%); highest among the groups gnomAD compares: Non-Finnish European, 0.000085%; no homozygotes.

Submission:

Labcorp Genetics (formerly Invitae), Labcorp
Classification: Uncertain significance for Dilated cardiomyopathy 1J. Last evaluated: 2022-02-24. Review status: criteria provided, single submitter. Criteria: Invitae Variant Classification Sherloc (09022015). Collection method: clinical testing. Allele origin: germline.
Comment: This sequence change replaces leucine, which is neutral and non-polar, with proline, which is neutral and non-polar, at codon 560 of the EYA4 protein (p.Leu560Pro). This variant is not present in population databases (gnomAD no frequency). In summary, the available evidence is currently insufficient to determine the role of this variant in disease. Therefore, it has been classified as a Variant of Uncertain Significance. Algorithms developed to predict the effect of missense changes on protein structure and function (SIFT, PolyPhen-2, Align-GVGD) all suggest that this variant is likely to be disruptive. This variant has not been reported in the literature in individuals affected with EYA4-related conditions.